The following is an entry in ClinVar:

NM_021254.4(CFAP298):c.457G>A (p.Val153Ile)

Genes: CFAP298 (cilia and flagella associated protein 298; minus strand), CFAP298-TCP10L (CFAP298-TCP10L readthrough; minus strand). Cytogenetic location: 21q22.11.
Variant type: single nucleotide variant.
Coding change: c.457G>A on transcript NM_021254.4 (MANE Select); coding-DNA position 457, G replaced by A.
Protein change: p.Val153Ile; replaces valine 153 with isoleucine.
Molecular consequence: missense variant. On other transcripts: non-coding transcript variant (2).
Genome position (GRCh38, 1-based): chr21:32,604,202, C>T on the plus strand (G>A on the coding strand, the complement: CFAP298 is on the minus strand). VCF-style: chr21-32604202-C-T. GRCh37 (hg19) VCF-style: chr21-33976512-C-T.
Other names: c.457G>A, p.Val153Ile (NM_001350338.2, NM_001350335.2, NM_001350336.2 and 1 more transcripts); c.160G>A, p.Val54Ile (NM_001350334.2); short protein forms V153I, V54I.
Identifiers: ClinVar variation 454924 (VCV000454924.11), dbSNP rs748207131, ClinGen allele CA10002855.

ClinVar aggregate classification (germline): Uncertain significance (1 of 4 stars; one submission).

Allele frequency attached by ClinVar (database versions not stated): ExAC 0.00001; gnomAD 0.00001; gnomAD exomes 0.00001; TOPMed 0.00002.

Submission:

Labcorp Genetics (formerly Invitae), Labcorp
Classification: Uncertain significance. Last evaluated: 2024-01-19. Review status: criteria provided, single submitter. Criteria: Invitae Variant Classification Sherloc (09022015). Collection method: clinical testing. Allele origin: germline.
Comment: This sequence change replaces valine, which is neutral and non-polar, with isoleucine, which is neutral and non-polar, at codon 153 of the C21orf59 protein (p.Val153Ile). This variant is present in population databases (rs748207131, gnomAD 0.009%). This variant has not been reported in the literature in individuals affected with C21orf59-related conditions. ClinVar contains an entry for this variant (Variation ID: 454924). An algorithm developed to predict the effect of missense changes on protein structure and function (PolyPhen-2) suggests that this variant is likely to be disruptive. In summary, the available evidence is currently insufficient to determine the role of this variant in disease. Therefore, it has been classified as a Variant of Uncertain Significance.